The following is an entry in ClinVar:

NM_001905.4(CTPS1):c.584A>C (p.Lys195Thr)

Gene: CTPS1 (CTP synthase 1; plus strand). Cytogenetic location: 1p34.2.
Variant type: single nucleotide variant.
Coding change: c.584A>C on transcript NM_001905.4 (MANE Select); coding-DNA position 584, A replaced by C.
Protein change: p.Lys195Thr; replaces lysine 195 with threonine.
Molecular consequence: missense variant. On other transcripts: non-coding transcript variant (1).
Genome position (GRCh38, 1-based): chr1:40,991,193, A>C. VCF-style: chr1-40991193-A-C. GRCh37 (hg19) VCF-style: chr1-41456865-A-C.
Other names: c.116A>C, p.Lys39Thr (NM_001301237.2); short protein forms K39T, K195T.
Identifiers: ClinVar variation 1510279 (VCV001510279.8), dbSNP rs2148397688, ClinGen allele CA339903128.

ClinVar aggregate classification (germline): Uncertain significance (1 of 4 stars; one submission).

Conditions:
Combined immunodeficiency due to CTPS1 deficiency. Also called: Severe combined immunodeficiency due to CTPS1 deficiency; Immunodeficiency 24. Identifiers: Orphanet 420573, MedGen C4014617, MONDO:0014391, OMIM 615897.

Submission:

Labcorp Genetics (formerly Invitae), Labcorp
Classification: Uncertain significance for Combined immunodeficiency due to CTPS1 deficiency. Last evaluated: 2021-04-08. Review status: criteria provided, single submitter. Criteria: Invitae Variant Classification Sherloc (09022015). Collection method: clinical testing. Allele origin: germline.
Comment: In summary, the available evidence is currently insufficient to determine the role of this variant in disease. Therefore, it has been classified as a Variant of Uncertain Significance. Algorithms developed to predict the effect of missense changes on protein structure and function are either unavailable or do not agree on the potential impact of this missense change (SIFT: "Deleterious"; PolyPhen-2: "Probably Damaging"; Align-GVGD: "Class C0"). This variant has not been reported in the literature in individuals with CTPS1-related conditions. This variant is not present in population databases (ExAC no frequency). This sequence change replaces lysine with threonine at codon 195 of the CTPS1 protein (p.Lys195Thr). The lysine residue is highly conserved and there is a moderate physicochemical difference between lysine and threonine.